The following is an entry in ClinVar:

ClinVar aggregate classification (germline): Benign (1 of 4 stars; one submission).

Allele frequency attached by ClinVar (database versions not stated): gnomAD exomes 0.22669; gnomAD 0.33713 and 0.34528; 1000 Genomes Project 0.34864; TOPMed 0.35025.
gnomAD v4.1: 258,355 of 1,063,972 alleles (24%); highest among the groups gnomAD compares: African/African-American, 69%; 38,586 homozygotes.

Submission:

GeneDx
Classification: Benign. Last evaluated: 2018-06-14. Review status: criteria provided, single submitter. Criteria: GeneDx Variant Classification (06012015). Collection method: clinical testing. Allele origin: germline. Affected: yes.
Comment: This variant is considered likely benign or benign based on one or more of the following criteria: it is a conservative change, it occurs at a poorly conserved position in the protein, it is predicted to be benign by multiple in silico algorithms, and/or has population frequency not consistent with disease.

NM_000426.4(LAMA2):c.1307-115A>C

Gene: LAMA2 (laminin subunit alpha 2; plus strand). Cytogenetic location: 6q22.33.
Variant type: single nucleotide variant.
Coding change: c.1307-115A>C on transcript NM_000426.4 (MANE Select); 115 bases into the intron before coding-DNA position 1307, A replaced by C.
Molecular consequence: intron variant.
Genome position (GRCh38, 1-based): chr6:129,177,591, A>C. VCF-style: chr6-129177591-A-C. GRCh37 (hg19) VCF-style: chr6-129498736-A-C.
Other names: c.1307-115A>C (NM_001079823.2).
Identifiers: ClinVar variation 682917 (VCV000682917.1), dbSNP rs2326759, ClinGen allele CA12432463.